The following is an entry in ClinVar:

NM_001356.5(DDX3X):c.1151C>A (p.Thr384Asn)

Gene: DDX3X (DEAD-box helicase 3 X-linked; plus strand). Cytogenetic location: Xp11.4.
Variant type: single nucleotide variant.
Coding change: c.1151C>A on transcript NM_001356.5 (MANE Select); coding-DNA position 1151, C replaced by A.
Protein change: p.Thr384Asn; replaces threonine 384 with asparagine.
Molecular consequence: missense variant. On other transcripts: non-coding transcript variant (1).
Genome position (GRCh38, 1-based): chrX:41,345,305, C>A. VCF-style: chrX-41345305-C-A. GRCh37 (hg19) VCF-style: chrX-41204558-C-A.
Other names: c.1151C>A, p.Thr384Asn (NM_001193416.3); c.1103C>A, p.Thr368Asn (NM_001193417.3); c.593C>A, p.Thr198Asn (NM_001363819.1); short protein forms T198N, T368N, T384N.
Identifiers: ClinVar variation 4530073 (VCV004530073.1).

ClinVar aggregate classification (somatic clinical impact): Tier I - Strong (1 of 4 stars; one submission).

Conditions:
Medulloblastoma WNT activated. Identifiers: MedGen C4331965, MONDO:0850196.

Submission:

Institute for Genomic Medicine (IGM) Clinical Laboratory, Nationwide Children's Hospital
Classification: Tier I - Strong for Medulloblastoma WNT activated. Assertion type: diagnostic. Clinical significance: supports diagnosis. Last evaluated: 2023-10-19. Review status: criteria provided, single submitter. Criteria: AMP/ASCO/CAP Guidelines, 2017. Collection method: clinical testing. Allele origin: somatic. Affected: yes.
Comment: Variant has Tier I (strong) clinical significance as a diagnostic inclusion criterion in medulloblastoma WNT activated, based on the following evidence: 1) Documented in one or more cancer databases (e.g., St. Jude Pecan, COSMIC, CIViC, OncoKB). 2) Appears in one or more well-established professional guidelines (e.g., World Health Organization [WHO]; National Comprehensive Cancer Network [NCCN]) as providing diagnostic, prognostic, or therapeutic information. 3) Diagnostic for a specific tumor type/classification based on well-powered studies with expert-level consensus (Evidence Level B; PMIDs: 22832583, 22722829, 28726821, 22820256).

Literature cited by the submitters: PubMed 22832583; PubMed 22722829; PubMed 28726821; PubMed 22820256.